The following is an entry in ClinVar:

NM_000829.4(GRIA4):c.1281T>A (p.Tyr427Ter)

Gene: GRIA4 (glutamate ionotropic receptor AMPA type subunit 4; plus strand). Cytogenetic location: 11q22.3.
Variant type: single nucleotide variant.
Coding change: c.1281T>A on transcript NM_000829.4 (MANE Select); coding-DNA position 1281, T replaced by A.
Protein change: p.Tyr427Ter; replaces tyrosine 427 with a stop codon.
Molecular consequence: nonsense. On other transcripts: non-coding transcript variant (1).
Genome position (GRCh38, 1-based): chr11:105,918,723, T>A. VCF-style: chr11-105918723-T-A. GRCh37 (hg19) VCF-style: chr11-105789449-T-A.
Other names: c.1281T>A, p.Tyr427Ter (NM_001077243.3); short protein forms Y427*.
Identifiers: ClinVar variation 3378132 (VCV003378132.1).

ClinVar aggregate classification (germline): Uncertain significance (1 of 4 stars; one submission).

Submission:

GeneDx
Classification: Uncertain significance. Last evaluated: 2024-05-06. Review status: criteria provided, single submitter. Criteria: GeneDx Variant Classification Process June 2021. Collection method: clinical testing. Allele origin: germline. Affected: yes.
Comment: Not observed at significant frequency in large population cohorts (gnomAD); Nonsense variant predicted to result in protein truncation or nonsense mediated decay in a gene or region of a gene for which loss of function is not a well-established mechanism of disease; Has not been previously published as pathogenic or benign to our knowledge